The following is an entry in ClinVar:

NM_000492.4(CFTR):c.2170A>G (p.Ile724Val)

Gene: CFTR (CF transmembrane conductance regulator; plus strand). Cytogenetic location: 7q31.2.
Variant type: single nucleotide variant.
Coding change: c.2170A>G on transcript NM_000492.4 (MANE Select); coding-DNA position 2170, A replaced by G.
Protein change: p.Ile724Val; replaces isoleucine 724 with valine.
Molecular consequence: missense variant.
Genome position (GRCh38, 1-based): chr7:117,592,337, A>G. VCF-style: chr7-117592337-A-G. GRCh37 (hg19) VCF-style: chr7-117232391-A-G.
Other names: short protein forms I724V.
Identifiers: ClinVar variation 3231850 (VCV003231850.1), dbSNP rs2485110100, ClinGen allele CA368980196.

ClinVar aggregate classification (germline): Uncertain significance (1 of 4 stars; one submission).

Conditions:
Cystic fibrosis (CF). Also called: MUCOVISCIDOSIS. Identifiers: Orphanet 586, MedGen C0010674, MONDO:0009061, OMIM 219700. Disease mechanism: loss of function.

Submission:

Ambry Genetics
Classification: Uncertain significance for Cystic fibrosis. Last evaluated: 2024-03-02. Review status: criteria provided, single submitter. Criteria: Ambry Variant Classification Scheme 2023. Collection method: clinical testing. Allele origin: germline.
Comment: The p.I724V variant (also known as c.2170A>G), located in coding exon 14 of the CFTR gene, results from an A to G substitution at nucleotide position 2170. The isoleucine at codon 724 is replaced by valine, an amino acid with highly similar properties. This amino acid position is conserved. In addition, the in silico prediction for this alteration is inconclusive. Based on the available evidence, the clinical significance of this alteration remains unclear.